The following is an entry in ClinVar:

ClinVar aggregate classification (germline): Uncertain significance (1 of 4 stars; one submission).

Conditions:
Alpha thalassemia-X-linked intellectual disability syndrome (ATRX). Also called: ATR-X syndrome; Alpha thalassemia mental retardation syndrome, nondeletion type, X-linked; XLMR hypotonic face syndrome; X-linked alpha-thalassemia-mental retardation syndrome; ALPHA-THALASSEMIA/IMPAIRED INTELLECTUAL DEVELOPMENT SYNDROME, X-LINKED; ALPHA-THALASSEMIA/MENTAL RETARDATION SYNDROME, X-LINKED. Identifiers: Orphanet 847, MedGen C1845055, MONDO:0010519, OMIM 301040.

Submission:

Labcorp Genetics (formerly Invitae), Labcorp
Classification: Uncertain significance for Alpha thalassemia-X-linked intellectual disability syndrome. Last evaluated: 2021-08-13. Review status: criteria provided, single submitter. Criteria: Invitae Variant Classification Sherloc (09022015). Collection method: clinical testing. Allele origin: germline.
Comment: This variant, c.4365_4394del, results in the deletion of 10 amino acid(s) of the ATRX protein (p.Glu1455_Glu1464del), but otherwise preserves the integrity of the reading frame. This variant is not present in population databases (ExAC no frequency). This variant has not been reported in the literature in individuals affected with ATRX-related conditions. Experimental studies and prediction algorithms are not available or were not evaluated, and the functional significance of this variant is currently unknown. In summary, the available evidence is currently insufficient to determine the role of this variant in disease. Therefore, it has been classified as a Variant of Uncertain Significance.

NM_000489.6(ATRX):c.4365_4394del (p.Glu1455_Glu1464del)

Gene: ATRX (ATRX chromatin remodeler; minus strand). Cytogenetic location: Xq21.1.
Variant type: Deletion.
Coding change: c.4365_4394del on transcript NM_000489.6 (MANE Select); coding-DNA positions 4365 to 4394, 30 bases deleted (GGAGGAGGAGGAGGAAGAGGAGGAGGAAGA).
Protein change: p.Glu1455_Glu1464del.
Molecular consequence: inframe deletion.
Genome position (GRCh38, 1-based): chrX:77,652,277-77,652,306, TCTTCCTCCTCCTCTTCCTCCTCCTCCTCC deleted on the plus strand (GGAGGAGGAGGAGGAAGAGGAGGAGGAAGA on the coding strand, the reverse complement: ATRX is on the minus strand); deleting any 30 consecutive bases within chrX:77,652,277-77,652,323 gives the same sequence; the c. name uses the placement nearest the transcript's 3' end. VCF-style (leftmost placement, unchanged base first): chrX-77652276-ATCTTCCTCCTCCTCTTCCTCCTCCTCCTCC-A. GRCh37 (hg19) VCF-style: chrX-76907766-ATCTTCCTCCTCCTCTTCCTCCTCCTCCTCC-A.
Other names: c.4251_4280del, p.Glu1417_Glu1426del (NM_138270.5).
Identifiers: ClinVar variation 1405640 (VCV001405640.5), dbSNP rs1312591978, ClinGen allele CA878374532.
Genomic context (GRCh38, chrX:77,652,276, plus strand): 5'-TTTAAGAATCTTCCGAATTTTCTTTCTGCCTTTTCCAGGAGACTTGGAATCATCATTTTC[ATCTTCCTCCTCCTCTTCCTCCTCCTCCTCC>A]TCTTCCTCCTCCTCTTCTTTTTCCTCCTCTTCTTCCTCAGAATTACTCTACAGAATTTAA-3'